The following is an entry in ClinVar:

NM_003776.4(MRPL40):c.13G>T (p.Val5Leu)

Genes: MRPL40 (mitochondrial ribosomal protein L40; plus strand), LOC130066955 (ATAC-STARR-seq lymphoblastoid silent region 13460; plus strand). Cytogenetic location: 22q11.21.
Variant type: single nucleotide variant.
Coding change: c.13G>T on transcript NM_003776.4 (MANE Select); coding-DNA position 13, G replaced by T.
Protein change: p.Val5Leu; replaces valine 5 with leucine.
Molecular consequence: missense variant. On other transcripts: 5 prime UTR variant (1).
Genome position (GRCh38, 1-based): chr22:19,432,567, G>T. VCF-style: chr22-19432567-G-T. GRCh37 (hg19) VCF-style: chr22-19420090-G-T.
Other names: c.-372G>T (NM_001318151.2); short protein forms V5L.
Identifiers: ClinVar variation 4693705 (VCV004693705.1).

ClinVar aggregate classification (germline): Uncertain significance (1 of 4 stars; one submission).

gnomAD v4.1: 41 of 1,551,586 alleles (0.0026%); highest among the groups gnomAD compares: Middle Eastern, 0.14%; 1 homozygote.

Submission:

Labcorp Genetics (formerly Invitae), Labcorp
Classification: Uncertain significance. Last evaluated: 2025-06-10. Review status: criteria provided, single submitter. Criteria: Invitae Variant Classification Sherloc (09022015). Collection method: clinical testing. Allele origin: germline.
Comment: This sequence change replaces valine, which is neutral and non-polar, with leucine, which is neutral and non-polar, at codon 5 of the MRPL40 protein (p.Val5Leu). The frequency data for this variant in the population databases is considered unreliable, as metrics indicate poor data quality at this position in the gnomAD database. This variant has not been reported in the literature in individuals affected with MRPL40-related conditions. An algorithm developed to predict the effect of missense changes on protein structure and function (PolyPhen-2) suggests that this variant is likely to be tolerated. In summary, the available evidence is currently insufficient to determine the role of this variant in disease. Therefore, it has been classified as a Variant of Uncertain Significance.